The following is an entry in ClinVar:

ClinVar aggregate classification (germline): Uncertain significance. Review status: reviewed by expert panel (3 of 4 stars). 3 submissions from 3 submitters: Uncertain significance (1). 2 of the submissions do not count toward it. Last evaluated 2024-07-22.

Conditions:
Interstitial nephritis. Also called: Tubulointerstitial nephritis. Identifiers: MedGen C0041349, MONDO:0001085, HP:0001970.
Mitochondrial disease. Also called: Mitochondrial disorder; Mitochondrial disorders. Identifiers: Orphanet 68380, MedGen C0751651, MeSH D028361, MONDO:0044970.

Submissions (3):

ClinGen Mitochondrial Disease Nuclear and Mitochondrial  Variant Curation Expert Panel, ClinGen
Classification: Uncertain significance for Mitochondrial disease. Last evaluated: 2024-07-22. Review status: reviewed by expert panel. Criteria: clingen mito disease acmg specifications v1-1. Collection method: curation. Allele origin: germline. Inheritance: Mitochondrial inheritance.
Comment: The m.608A>G variant in MT-TF has been reported in one family with primary mitochondrial disease to date (PMID: 11231339). The older brother in this family had failure to thrive, chronic renal insufficiency, developmental delay, decreased limb muscle tone, muscle atrophy, myopathy, and ataxia. The younger brother had similar but milder manifestations. The variant was present at homoplasmy in both children in renal tissue and leukocytes. The variant was also homoplasmic in leukocytes from the healthy mother. This variant is absent in the GenBank dataset, there are four heteroplasmic occurrences in gnomAD v3.1.2, and there is one heteroplasmic occurrence in the Helix dataset (PM2_supporting). In silico predictors are conflicting as the computational predictor MitoTIP suggests this variant is pathogenic (65th percentile) but HmtVAR predicts it to be neutral with a score of 0.3. There are no cybrids, single fiber studies, or other functional assays reported on this variant. In summary, this variant meets criteria to be classified as uncertain significance for primary mitochondrial disease inherited in a mitochondrial manner. This classification was approved by the NICHD/NINDS U24 ClinGen Mitochondrial Disease Variant Curation Expert Panel on July 22, 2024. Mitochondrial DNA-specific ACMG/AMP criteria applied (PMID: 32906214): PM2_supporting.

Mendelics
Classification: Uncertain significance. Last evaluated: 2022-05-04. Review status: criteria provided, single submitter. Criteria: Mendelics Assertion Criteria 2019. Collection method: clinical testing. Allele origin: germline. Not counted in ClinVar's aggregate classification.

OMIM
Classification: Pathogenic for NEPHROPATHY, TUBULOINTERSTITIAL. Last evaluated: 2001-03-01. Review status: no assertion criteria provided. Collection method: literature only. Allele origin: germline. Not counted in ClinVar's aggregate classification.

Literature cited by the submitters: PubMed 11231339 (cited by OMIM).

NC_012920.1(MT-TF):m.608A>G

Gene: MT-TF (mitochondrially encoded tRNA phenylalanine; plus strand).
Variant type: single nucleotide variant.
Genome position: chrM-608-A-G.
Other names: 608A-G.
Identifiers: ClinVar variation 30006 (VCV000030006.3), dbSNP rs387906735, ClinGen allele CA128832.